The following is an entry in ClinVar:

NC_000016.10:g.(89803342_89805279)_(89805393_89808293)del

Gene: FANCA (FA complementation group A; minus strand). Cytogenetic location: 16q24.3.
Variant type: Deletion.
Identifiers: ClinVar variation 974289 (VCV000974289.1).

ClinVar aggregate classification (germline): Pathogenic (0 of 4 stars; one submission).

Conditions:
Fanconi anemia complementation group A (FANCA). Also called: Fanconi anemia, group A; FANCA-Related Fanconi Anemia. Identifiers: Orphanet 84, MedGen C3469521, MONDO:0009215, OMIM 227650.

Submission:

Leiden Open Variation Database
Classification: Pathogenic for Fanconi anemia complementation group A. Last evaluated: 2020-02-28. Review status: no assertion criteria provided. Collection method: curation. Allele origin: germline. Affected: yes.
Comment: Curator: Arleen D. Auerbach. Submitter to LOVD: Arleen D. Auerbach.